The following is an entry in ClinVar:

ClinVar aggregate classification (germline): Uncertain significance (1 of 4 stars; one submission).

Conditions:
Ataxia-telangiectasia syndrome (AT). Also called: LOUIS-BAR SYNDROME; Cerebello-oculocutaneous telangiectasia; Immunodeficiency with ataxia telangiectasia; Ataxia telangiectasia (A-T); Ataxia-telangiectasia, complementation group D; AT, COMPLEMENTATION GROUP C. Identifiers: Orphanet 100, MedGen C0004135, MONDO:0008840, OMIM 208900.

gnomAD v4.1: 3 of 1,613,680 alleles (0.00019%); highest among the groups gnomAD compares: South Asian, 0.0011%; no homozygotes.

Submission:

Labcorp Genetics (formerly Invitae), Labcorp
Classification: Uncertain significance for Ataxia-telangiectasia syndrome. Last evaluated: 2020-11-25. Review status: criteria provided, single submitter. Criteria: Invitae Variant Classification Sherloc (09022015). Collection method: clinical testing. Allele origin: germline.
Comment: This variant has not been reported in the literature in individuals with ATM-related conditions. In summary, the available evidence is currently insufficient to determine the role of this variant in disease. Therefore, it has been classified as a Variant of Uncertain Significance. Advanced modeling of protein sequence and biophysical properties (such as structural, functional, and spatial information, amino acid conservation, physicochemical variation, residue mobility, and thermodynamic stability) performed at Invitae indicates that this missense variant is expected to disrupt ATM protein function. This variant is not present in population databases (ExAC no frequency). This sequence change replaces threonine with lysine at codon 2853 of the ATM protein (p.Thr2853Lys). The threonine residue is highly conserved and there is a moderate physicochemical difference between threonine and lysine.

NM_000051.4(ATM):c.8558C>A (p.Thr2853Lys)

Genes: ATM (ATM serine/threonine kinase; plus strand), C11orf65 (chromosome 11 open reading frame 65; minus strand). Cytogenetic location: 11q22.3.
Variant type: single nucleotide variant.
Coding change: c.8558C>A on transcript NM_000051.4 (MANE Select); coding-DNA position 8558, C replaced by A.
Protein change: p.Thr2853Lys; replaces threonine 2853 with lysine.
Molecular consequence: missense variant. On other transcripts: intron variant (2).
Genome position (GRCh38, 1-based): chr11:108,345,882, C>A. VCF-style: chr11-108345882-C-A. GRCh37 (hg19) VCF-style: chr11-108216609-C-A.
Other names: c.8558C>A, p.Thr2853Lys (NM_001351834.2); c.641-36811G>T (NM_001330368.2); c.695-10590G>T (NM_001351110.2); short protein forms T2853K.
Identifiers: ClinVar variation 1488417 (VCV001488417.8), dbSNP rs141534716, ClinGen allele CA382518561.